The following is an entry in ClinVar:

NM_000142.5(FGFR3):c.2275-6C>A

Gene: FGFR3 (fibroblast growth factor receptor 3; plus strand). Cytogenetic location: 4p16.3.
Variant type: single nucleotide variant.
Coding change: c.2275-6C>A on transcript NM_000142.5 (MANE Select); 6 bases into the intron before coding-DNA position 2275, C replaced by A.
Molecular consequence: intron variant.
Genome position (GRCh38, 1-based): chr4:1,807,110, C>A. VCF-style: chr4-1807110-C-A. GRCh37 (hg19) VCF-style: chr4-1808837-C-A.
Other names: c.2281-6C>A (NM_001163213.2); c.2278-6C>A (NM_001354809.2); c.2207-6C>A (NM_001354810.2); c.1939-6C>A (NM_022965.4).
Identifiers: ClinVar variation 3726027 (VCV003726027.2).
Genomic context (GRCh38, chr4:1,807,110, plus strand): 5'-GGCACAGAGGTGGCTGTGCGAAGAGGGGCTCGGTGGCACAGCGCTCACCCCGCCTCCCGC[C>A]AGCAGGAGTACCTGGACCTGTCGGCGCCTTTCGAGCAGTACTCCCCGGGTGGCCAGGACA-3'

ClinVar aggregate classification (germline): Uncertain significance (1 of 4 stars; one submission).

Submission:

Labcorp Genetics (formerly Invitae), Labcorp
Classification: Uncertain significance. Last evaluated: 2025-03-11. Review status: criteria provided, single submitter. Criteria: Invitae Variant Classification Sherloc (09022015). Collection method: clinical testing. Allele origin: germline.
Comment: This sequence change falls in intron 17 of the FGFR3 gene. It does not directly change the encoded amino acid sequence of the FGFR3 protein. This variant is not present in population databases (gnomAD no frequency). This variant has not been reported in the literature in individuals affected with FGFR3-related conditions. Algorithms developed to predict the effect of sequence changes on RNA splicing suggest that this variant may disrupt the consensus splice site. In summary, the available evidence is currently insufficient to determine the role of this variant in disease. Therefore, it has been classified as a Variant of Uncertain Significance.